The following is an entry in ClinVar:

ClinVar aggregate classification (germline): Uncertain significance (1 of 4 stars; one submission).

Conditions:
Developmental delay, impaired speech, and behavioral abnormalities. Identifiers: MedGen C5561957, MONDO:0859178, OMIM 619475.

Submission:

Neuberg Centre For Genomic Medicine, NCGM
Classification: Uncertain significance for Developmental delay, impaired speech, and behavioral abnormalities. Last evaluated: 2023-06-02. Review status: criteria provided, single submitter. Criteria: ACMG Guidelines, 2015. Collection method: clinical testing. Allele origin: germline. Inheritance: Autosomal dominant inheritance. Affected: yes.
Comment: The observed missense variant c.2284G>C(p.Asp762His) in the SPTBN1 gene has not been reported previously as a pathogenic variant nor as a benign variant, to our knowledge. This variant is absent in the gnomAD Exomes. The amino acid Aspartic acid at position 762 is changed to a Histidine changing protein sequence and it might alter its composition and physico-chemical properties. Multiple lines of computational evidence (Polyphen - Damaging, SIFT - Damaging and MutationTaster - Disease causing) predict a damaging effect on protein structure and function for this variant. The residue is conserved by GERP++ and PhyloP across 100 vertebrates. For these reasons, this variant has been classified as Uncertain Significance.

NM_003128.3(SPTBN1):c.2284G>C (p.Asp762His)

Gene: SPTBN1 (spectrin beta, non-erythrocytic 1; plus strand). Cytogenetic location: 2p16.2.
Variant type: single nucleotide variant.
Coding change: c.2284G>C on transcript NM_003128.3 (MANE Select); coding-DNA position 2284, G replaced by C.
Protein change: p.Asp762His; replaces aspartic acid 762 with histidine.
Molecular consequence: missense variant.
Genome position (GRCh38, 1-based): chr2:54,629,418, G>C. VCF-style: chr2-54629418-G-C. GRCh37 (hg19) VCF-style: chr2-54856555-G-C.
Other names: c.2245G>C, p.Asp749His (NM_178313.3); short protein forms D749H, D762H.
Identifiers: ClinVar variation 3362277 (VCV003362277.3).